The following is an entry in ClinVar:

ClinVar aggregate classification (germline): Likely pathogenic (1 of 4 stars; one submission).

Conditions:
Rare genetic deafness. Identifiers: Orphanet 96210, MedGen C5680250.

Allele frequency attached by ClinVar (database versions not stated): gnomAD exomes below 0.00001.
gnomAD v4.1: 1 of 1,541,532 alleles (0.000065%); highest among the groups gnomAD compares: Non-Finnish European, 0.000087%; no homozygotes.

Submission:

Laboratory for Molecular Medicine, Mass General Brigham Personalized Medicine
Classification: Likely pathogenic for Rare genetic deafness. Last evaluated: 2020-06-16. Review status: criteria provided, single submitter. Criteria: LMM Criteria. Collection method: clinical testing. Allele origin: germline. Inheritance: Autosomal recessive inheritance. Observed: 1 variant allele.
Comment: The p.Trp1047X variant in OTOGL has not been reported in individuals with hearing loss nor in large population studies. This nonsense variant leads to a premature termination codon at position 1047, which is predicted to lead to a truncated or absent protein. Loss of function of the OTOGL gene is an established disease mechanism in autosomal recessive hearing loss. In summary, although additional studies are required to fully establish its clinical significance, this variant meets criteria to be classified as likely pathogenic for autosomal recessive hearing loss. ACMG/AMP Criteria applied: PVS1, PM2.

NM_001378609.3(OTOGL):c.3168G>A (p.Trp1056Ter)

Gene: OTOGL (otogelin like; plus strand). Cytogenetic location: 12q21.31.
Variant type: single nucleotide variant.
Coding change: c.3168G>A on transcript NM_001378609.3 (MANE Select); coding-DNA position 3168, G replaced by A.
Protein change: p.Trp1056Ter; replaces tryptophan 1056 with a stop codon.
Molecular consequence: nonsense.
Genome position (GRCh38, 1-based): chr12:80,302,738, G>A. VCF-style: chr12-80302738-G-A. GRCh37 (hg19) VCF-style: chr12-80696518-G-A.
Other names: c.3033G>A, p.Trp1011Ter (NM_001368062.3); c.3168G>A, p.Trp1056Ter (NM_001378610.3, NM_173591.7); short protein forms W1011*, W1056*.
Identifiers: ClinVar variation 1120060 (VCV001120060.4), dbSNP rs2137737853, ClinGen allele CA385859934.
Genomic context (GRCh38, chr12:80,302,738, plus strand): 5'-TTGGAAGGCTGGTTACTATATAGTAGTATACTTTCCAGAGAAAGATATCACTATTCTTTG[G>A]GATAGGAAGACAACTATTCATATCAAAGTTGGGCCACAGTGGAAGGTAGGTCAACCTAAG-3'